The following is an entry in ClinVar:

NM_000059.4(BRCA2):c.9649-1G>T

Gene: BRCA2 (BRCA2 DNA repair associated; plus strand). Cytogenetic location: 13q13.1.
Variant type: single nucleotide variant.
Coding change: c.9649-1G>T on transcript NM_000059.4 (MANE Select); the canonical splice acceptor site of the intron before coding-DNA position 9649, G replaced by T.
Molecular consequence: splice acceptor variant.
Genome position (GRCh38, 1-based): chr13:32,398,161, G>T. VCF-style: chr13-32398161-G-T. GRCh37 (hg19) VCF-style: chr13-32972298-G-T.
Other names: c.9598-1G>T (NM_001406720.1); c.9553-1G>T (NM_001406719.1); c.4717-1G>T (NM_001406721.1); c.3232-1G>T (NM_001406722.1).
Identifiers: ClinVar variation 518256 (VCV000518256.13), dbSNP rs1555289898, ClinGen allele CA387765053.

ClinVar aggregate classification (germline): Pathogenic/Likely pathogenic. Review status: criteria provided, multiple submitters, no conflicts (2 of 4 stars). 6 submissions from 6 submitters: Pathogenic (3); Likely pathogenic (1). 2 of the submissions do not count toward it. Last evaluated 2024-09-03.

Conditions:
BRCA2-related cancer predisposition. Identifiers: MedGen CN377758, MONDO:0700269.
Breast-ovarian cancer, familial, susceptibility to, 2 (BROVCA2). Also called: BRCA2 Hereditary Breast and Ovarian Cancer. Identifiers: Orphanet 145, MedGen C2675520, MONDO:0012933, OMIM 612555. Disease mechanism: loss of function.
Hereditary breast ovarian cancer syndrome. Also called: Hereditary breast and ovarian cancer; Breast and ovarian cancer; Hereditary breast and ovarian cancer syndrome (HBOC); BRCA1- and BRCA2-Associated Hereditary Breast and Ovarian Cancer; Hereditary breast and ovarian cancer syndrome; Hereditary breast and/or ovarian cancer syndrome. Identifiers: Orphanet 145, MedGen C0677776, MeSH D061325, MONDO:0003582. Disease mechanism: loss of function.

gnomAD v4.1: 1 of 1,605,644 alleles (0.000062%); highest among the groups gnomAD compares: Non-Finnish European, 0.000085%; no homozygotes.

Submissions (6):

All of Us Research Program, National Institutes of Health
Classification: Pathogenic for BRCA2-related cancer predisposition. Last evaluated: 2024-09-03. Review status: criteria provided, single submitter. Criteria: ACMG Guidelines, 2015. Collection method: clinical testing. Allele origin: germline. Inheritance: Autosomal dominant inheritance. Observed: 1 variant allele, 1 heterozygote.
Comment: The c.9649-1G>T variant in the BRCA2 gene is located at the canonical splice site of intron 26 and is predicted to inflict acceptor loss (SpliceAI delta score: 0.99), resulting in alternative splicing and disrupted protein product. The variant has been reported in individuals with hereditary breast and/or ovarian cancer (PMID: 29483665). An alternative variant disrupting the same splice junction (c.9649-2A>G) has been reported in an individual with breast cancer (PMID: 33573335). Loss-of-function variants in the BRCA2 gene are known to cause hereditary breast and ovarian cancer (PMID: 8988179, 11897832, 29446198). The variant is reported in ClinVar (ID: 518256). The variant is absent in the general population database (gnomAD v2.1). Therefore, the c.9649-1G>T variant in the BRCA2 gene has been classified as pathogenic.

This study involves interpretation of variants in research participants for the purpose of population health screening. Participant phenotype was not available at the time of variant classification. Additional details can be found in publication PMID: 35346344, PMCID: PMC8962531

Labcorp Genetics (formerly Invitae), Labcorp
Classification: Pathogenic for Hereditary breast ovarian cancer syndrome. Last evaluated: 2022-04-14. Review status: criteria provided, single submitter. Criteria: Invitae Variant Classification Sherloc (09022015). Collection method: clinical testing. Allele origin: germline.
Comment: This variant disrupts a region of the BRCA2 protein in which other variant(s) (p.Tyr3308*) have been determined to be pathogenic (PMID: 17026620, 18593900, 18607349, 22711857). This suggests that this is a clinically significant region of the protein, and that variants that disrupt it are likely to be disease-causing. Variants that disrupt the consensus splice site are a relatively common cause of aberrant splicing (PMID: 17576681, 9536098). Studies have shown that disruption of this splice site results in altered splicing and introduces a new termination codon (PMID: 25382762). However the mRNA is not expected to undergo nonsense-mediated decay. ClinVar contains an entry for this variant (Variation ID: 518256). Disruption of this splice site has been observed in individual(s) with personal and/or family history of breast cancer and/or ovarian cancer (PMID: 29483665). This variant is not present in population databases (gnomAD no frequency). This sequence change affects an acceptor splice site in intron 26 of the BRCA2 gene. RNA analysis indicates that disruption of this splice site induces altered splicing and likely disrupts the C-terminus of the protein. For these reasons, this variant has been classified as Pathogenic.

Laboratory for Molecular Medicine, Mass General Brigham Personalized Medicine
Classification: Likely pathogenic for Hereditary breast ovarian cancer syndrome. Last evaluated: 2020-06-19. Review status: criteria provided, single submitter. Criteria: ACMG Guidelines, 2015. Collection method: clinical testing. Allele origin: germline.
Comment: The c.9649-1G>T variant in BRCA2 was reported in the literature in 4 individuals with BRCA-2 related cancers (Teixeira 2018 PubMed: 29483665) and was absent from large population studies. This variant occurs within the canonical splice site (+/- 1,2) and is predicted to cause altered splicing leading to an abnormal or absent protein. This variant impacts the last exon and is, therefore, likely to escape nonsense mediated decay (NMD) and result in a truncated protein. In summary, although additional studies are required to fully establish its clinical significance, this variant meets criteria to be classified as likely pathogenic for autosomal dominant HBOC. ACMG/AMP Criteria applied: PVS1_Strong, PM2, PS4_Supporting.

Clinical Genetics DNA and cytogenetics Diagnostics Lab, Erasmus MC, Erasmus Medical Center
Classification: Pathogenic for Breast-ovarian cancer, familial, susceptibility to, 2. Last evaluated: 2015-09-21. Review status: criteria provided, single submitter. Criteria: ACGS Guidelines, 2013. Collection method: clinical testing. Allele origin: germline. Affected: yes. Study: VKGL Data-share Consensus.

Diagnostic Laboratory, Department of Genetics, University Medical Center Groningen
Classification: Pathogenic for Breast-ovarian cancer, familial, susceptibility to, 2. Review status: no assertion criteria provided. Collection method: clinical testing. Allele origin: germline. Affected: yes. Study: VKGL Data-share Consensus. Not counted in ClinVar's aggregate classification.

Joint Genome Diagnostic Labs from Nijmegen and Maastricht, Radboudumc and MUMC+
Classification: Pathogenic. Review status: no assertion criteria provided. Collection method: clinical testing. Allele origin: germline. Affected: yes. Study: VKGL Data-share Consensus. Not counted in ClinVar's aggregate classification.

Literature cited by the submitters: PubMed 8988179 (cited by All of Us Research Program, National Institutes of Health); PubMed 11897832 (cited by All of Us Research Program, National Institutes of Health); PubMed 29446198 (cited by All of Us Research Program, National Institutes of Health); PubMed 29483665 (cited by 3 submitters); PubMed 33573335 (cited by All of Us Research Program, National Institutes of Health); PubMed 17026620 (cited by Labcorp Genetics (formerly Invitae), Labcorp); PubMed 18593900 (cited by Labcorp Genetics (formerly Invitae), Labcorp); PubMed 18607349 (cited by Labcorp Genetics (formerly Invitae), Labcorp); PubMed 22711857 (cited by Labcorp Genetics (formerly Invitae), Labcorp); PubMed 17576681 (cited by Labcorp Genetics (formerly Invitae), Labcorp); PubMed 9536098 (cited by Labcorp Genetics (formerly Invitae), Labcorp); PubMed 25382762 (cited by Labcorp Genetics (formerly Invitae), Labcorp).